The following is an entry in ClinVar:

NM_015662.3(IFT172):c.2261A>G (p.Glu754Gly)

Gene: IFT172 (intraflagellar transport 172; minus strand). Cytogenetic location: 2p23.3.
Variant type: single nucleotide variant.
Coding change: c.2261A>G on transcript NM_015662.3 (MANE Select); coding-DNA position 2261, A replaced by G.
Protein change: p.Glu754Gly; replaces glutamic acid 754 with glycine.
Molecular consequence: missense variant.
Genome position (GRCh38, 1-based): chr2:27,461,450, T>C on the plus strand (A>G on the coding strand, the complement: IFT172 is on the minus strand). VCF-style: chr2-27461450-T-C. GRCh37 (hg19) VCF-style: chr2-27684317-T-C.
Other names: c.2195A>G, p.Glu732Gly (NM_001410739.1); short protein forms E732G, E754G.
Identifiers: ClinVar variation 2161735 (VCV002161735.1), dbSNP rs1466900344, ClinGen allele CA346384605.

ClinVar aggregate classification (germline): Uncertain significance (1 of 4 stars; one submission).

Conditions:
Retinitis pigmentosa 71 (RP71). Identifiers: Orphanet 791, MedGen C4225342, MONDO:0014618, OMIM 616394.
Short-rib thoracic dysplasia 10 with or without polydactyly (SRTD10). Identifiers: Orphanet 474, MedGen C3810175, MONDO:0014284, OMIM 615630.

Allele frequency attached by ClinVar (database versions not stated): gnomAD 0.00001; TOPMed 0.00005.
gnomAD v4.1: 9 of 1,613,998 alleles (0.00056%); highest among the groups gnomAD compares: Admixed American, 0.0033%; no homozygotes.

Submission:

Labcorp Genetics (formerly Invitae), Labcorp
Classification: Uncertain significance for Retinitis pigmentosa 71; Short-rib thoracic dysplasia 10 with or without polydactyly. Last evaluated: 2022-03-26. Review status: criteria provided, single submitter. Criteria: Invitae Variant Classification Sherloc (09022015). Collection method: clinical testing. Allele origin: germline.
Comment: This sequence change replaces glutamic acid, which is acidic and polar, with glycine, which is neutral and non-polar, at codon 754 of the IFT172 protein (p.Glu754Gly). This variant is present in population databases (no rsID available, gnomAD 0.003%). This variant has not been reported in the literature in individuals affected with IFT172-related conditions. Algorithms developed to predict the effect of missense changes on protein structure and function are either unavailable or do not agree on the potential impact of this missense change (SIFT: "Deleterious"; PolyPhen-2: "Benign"; Align-GVGD: "Class C0"). In summary, the available evidence is currently insufficient to determine the role of this variant in disease. Therefore, it has been classified as a Variant of Uncertain Significance.